The following is an entry in ClinVar:

ClinVar aggregate classification (germline): Uncertain significance (1 of 4 stars; one submission).

Conditions:
Inborn genetic diseases. Identifiers: MedGen C0950123, MeSH D030342.

gnomAD v4.1: 2 of 1,612,854 alleles (0.00012%); highest among the groups gnomAD compares: Non-Finnish European, 0.00017%; no homozygotes.

Submission:

Ambry Genetics
Classification: Uncertain significance for Inborn genetic diseases. Last evaluated: 2025-01-10. Review status: criteria provided, single submitter. Criteria: Ambry Variant Classification Scheme 2023. Collection method: clinical testing. Allele origin: germline.
Comment: The p.A624P variant (also known as c.1870G>C), located in coding exon 21 of the FANCA gene, results from a G to C substitution at nucleotide position 1870. The alanine at codon 624 is replaced by proline, an amino acid with highly similar properties. This amino acid position is conserved. In addition, the in silico prediction for this alteration is inconclusive. Based on the available evidence, the clinical significance of this variant remains unclear.

NM_000135.4(FANCA):c.1870G>C (p.Ala624Pro)

Gene: FANCA (FA complementation group A; minus strand). Cytogenetic location: 16q24.3.
Variant type: single nucleotide variant.
Coding change: c.1870G>C on transcript NM_000135.4 (MANE Select); coding-DNA position 1870, G replaced by C.
Protein change: p.Ala624Pro; replaces alanine 624 with proline.
Molecular consequence: missense variant.
Genome position (GRCh38, 1-based): chr16:89,775,772, C>G on the plus strand (G>C on the coding strand, the complement: FANCA is on the minus strand). VCF-style: chr16-89775772-C-G. GRCh37 (hg19) VCF-style: chr16-89842180-C-G.
Other names: c.1870G>C, p.Ala624Pro (NM_001286167.3); short protein forms A624P.
Identifiers: ClinVar variation 3848103 (VCV003848103.1).